The following is an entry in ClinVar:

ClinVar aggregate classification (germline): Uncertain significance. Review status: criteria provided, multiple submitters, no conflicts (2 of 4 stars). 2 submissions from 2 submitters: Uncertain significance (2). Last evaluated 2023-03-28.

Conditions:
Hereditary pancreatitis (PCTT). Also called: Hereditary chronic pancreatitis; PRSS1-Related Hereditary Pancreatitis. Identifiers: Orphanet 676, MedGen C0238339, MONDO:0008185, OMIM 167800.

Submissions (2):

Labcorp Genetics (formerly Invitae), Labcorp
Classification: Uncertain significance for Hereditary pancreatitis. Last evaluated: 2023-03-28. Review status: criteria provided, single submitter. Criteria: Invitae Variant Classification Sherloc (09022015). Collection method: clinical testing. Allele origin: germline.
Comment: This variant has not been reported in the literature in individuals affected with CTRC-related conditions. ClinVar contains an entry for this variant (Variation ID: 1759932). Advanced modeling of protein sequence and biophysical properties (such as structural, functional, and spatial information, amino acid conservation, physicochemical variation, residue mobility, and thermodynamic stability) performed at Invitae indicates that this missense variant is expected to disrupt CTRC protein function. In summary, the available evidence is currently insufficient to determine the role of this variant in disease. Therefore, it has been classified as a Variant of Uncertain Significance. This sequence change replaces valine, which is neutral and non-polar, with methionine, which is neutral and non-polar, at codon 255 of the CTRC protein (p.Val255Met). This variant is present in population databases (rs111372278, gnomAD 0.0009%).

Ambry Genetics
Classification: Uncertain significance for Hereditary pancreatitis. Last evaluated: 2021-07-12. Review status: criteria provided, single submitter. Criteria: Ambry Variant Classification Scheme 2023. Collection method: clinical testing. Allele origin: germline.
Comment: The p.V255M variant (also known as c.763G>A), located in coding exon 7 of the CTRC gene, results from a G to A substitution at nucleotide position 763. The valine at codon 255 is replaced by methionine, an amino acid with highly similar properties. This amino acid position is conserved. In addition, this alteration is predicted to be deleterious by in silico analysis. Since supporting evidence is limited at this time, the clinical significance of this alteration remains unclear.

NM_007272.3(CTRC):c.763G>A (p.Val255Met)

Gene: CTRC (chymotrypsin C; plus strand). Cytogenetic location: 1p36.21.
Variant type: single nucleotide variant.
Coding change: c.763G>A on transcript NM_007272.3 (MANE Select); coding-DNA position 763, G replaced by A.
Protein change: p.Val255Met; replaces valine 255 with methionine.
Molecular consequence: missense variant.
Genome position (GRCh38, 1-based): chr1:15,445,720, G>A. VCF-style: chr1-15445720-G-A. GRCh37 (hg19) VCF-style: chr1-15772215-G-A.
Other names: short protein forms V255M.
Identifiers: ClinVar variation 1759932 (VCV001759932.5), dbSNP rs111372278, ClinGen allele CA18253843.